The following is an entry in ClinVar:

NM_014615.5(GSE1):c.1683G>A (p.Pro561=)

Gene: GSE1 (Gse1 coiled-coil protein; plus strand). Cytogenetic location: 16q24.1.
Variant type: single nucleotide variant.
Coding change: c.1683G>A on transcript NM_014615.5 (MANE Select); coding-DNA position 1683, G replaced by A.
Protein change: p.Pro561=; no amino-acid change (proline 561 retained).
Molecular consequence: synonymous variant.
Genome position (GRCh38, 1-based): chr16:85,661,188, G>A. VCF-style: chr16-85661188-G-A. GRCh37 (hg19) VCF-style: chr16-85694794-G-A.
Other names: c.1371G>A, p.Pro457= (NM_001134473.3); c.1464G>A, p.Pro488= (NM_001278184.3).
Identifiers: ClinVar variation 2646940 (VCV002646940.24), dbSNP rs757069622, ClinGen allele CA8214753.
Genomic context (GRCh38, chr16:85,661,188, plus strand): 5'-GTTGGTTTCACTCCCTAGGCCAGGACCAAACCGTCACGAGCCAGGTGGCCGTGACCCTCC[G>A]CAGCACTTTGGGGGGCCACCACCTCTGATTTCGCCCAAGCCCCAGCTCCATGCTGCACCC-3'
Protein context (NP_055430.1, residues 551-571): NRHEPGGRDP[Pro561=]QHFGGPPPLI

ClinVar aggregate classification (germline): Likely benign (1 of 4 stars; one submission).

Allele frequency attached by ClinVar (database versions not stated): gnomAD 0.00005; TOPMed 0.00005; ExAC 0.00008; gnomAD exomes 0.00010.
gnomAD v4.1: 151 of 1,603,186 alleles (0.0094%); highest among the groups gnomAD compares: Non-Finnish European, 0.012%; no homozygotes.

Submission:

CeGaT Center for Human Genetics Tuebingen
Classification: Likely benign. Last evaluated: 2022-05-01. Review status: criteria provided, single submitter. Criteria: CeGaT Center For Human Genetics Tuebingen Variant Classification Criteria Version 2. Collection method: clinical testing. Allele origin: germline. Affected: yes. Observed: 1 variant allele.
Comment: GSE1: BP4, BP7